The following is an entry in ClinVar:

NM_006371.5(CRTAP):c.22dup (p.Ala8fs)

Genes: CRTAP (cartilage associated protein; plus strand), LOC129936436 (ATAC-STARR-seq lymphoblastoid silent region 14183; plus strand). Cytogenetic location: 3p22.3.
Variant type: Duplication.
Coding change: c.22dup on transcript NM_006371.5 (MANE Select); coding-DNA position 22, one base duplicated (G; older notation c.22dupG).
Protein change: p.Ala8fs; shifts the reading frame from alanine 8.
Molecular consequence: frameshift variant.
Genome position (GRCh38, 1-based): chr3:33,114,099, G duplicated; the last of 6 consecutive G bases (chr3:33,114,094-33,114,099); duplicating any one gives the same sequence. VCF-style (leftmost placement, unchanged base first): chr3-33114093-C-CG. GRCh37 (hg19) VCF-style: chr3-33155585-C-CG.
Other names: c.22dup, p.Ala8fs (NM_001393363.1, NM_001393364.1, NM_001393365.1); short protein forms A8fs.
Identifiers: ClinVar variation 1324173 (VCV001324173.8), dbSNP rs137853936, ClinGen allele CA72698968.

ClinVar aggregate classification (germline): Pathogenic. Review status: criteria provided, multiple submitters, no conflicts (2 of 4 stars). 2 submissions from 2 submitters: Pathogenic (2). Last evaluated 2024-03-21.

Conditions:
Osteogenesis imperfecta type 7 (OI7). Also called: OSTEOGENESIS IMPERFECTA, TYPE IIB; OI type 7; OI type VII; Osteogenesis imperfecta type 2B; OI type 2B; Osteogenesis imperfecta, perinatal lethal autosomal recessive. Identifiers: MedGen C1853162, MONDO:0012536, OMIM 610682.

Submissions (2):

Fulgent Genetics
Classification: Pathogenic for Osteogenesis imperfecta type 7. Last evaluated: 2024-03-21. Review status: criteria provided, single submitter. Criteria: ACMG Guidelines, 2015. Collection method: clinical testing. Allele origin: germline.

Labcorp Genetics (formerly Invitae), Labcorp
Classification: Pathogenic for Osteogenesis imperfecta type 7. Last evaluated: 2023-05-02. Review status: criteria provided, single submitter. Criteria: Invitae Variant Classification Sherloc (09022015). Collection method: clinical testing. Allele origin: germline.
Comment: This sequence change creates a premature translational stop signal (p.Ala8Glyfs*153) in the CRTAP gene. It is expected to result in an absent or disrupted protein product. Loss-of-function variants in CRTAP are known to be pathogenic (PMID: 17055431, 19862557, 24715559). This variant is not present in population databases (gnomAD no frequency). This premature translational stop signal has been observed in individual(s) with osteogenesis imperfecta (PMID: 35186396). ClinVar contains an entry for this variant (Variation ID: 1324173). For these reasons, this variant has been classified as Pathogenic.

Literature cited by the submitters: PubMed 17055431 (cited by Labcorp Genetics (formerly Invitae), Labcorp); PubMed 19862557 (cited by Labcorp Genetics (formerly Invitae), Labcorp); PubMed 24715559 (cited by Labcorp Genetics (formerly Invitae), Labcorp); PubMed 35186396 (cited by Labcorp Genetics (formerly Invitae), Labcorp).